The following is an entry in ClinVar:

NM_001277115.2(DNAH11):c.12392C>T (p.Pro4131Leu)

Gene: DNAH11 (dynein axonemal heavy chain 11; plus strand). Cytogenetic location: 7p15.3.
Variant type: single nucleotide variant.
Coding change: c.12392C>T on transcript NM_001277115.2 (MANE Select); coding-DNA position 12392, C replaced by T.
Protein change: p.Pro4131Leu; replaces proline 4131 with leucine.
Molecular consequence: missense variant.
Genome position (GRCh38, 1-based): chr7:21,884,295, C>T. VCF-style: chr7-21884295-C-T. GRCh37 (hg19) VCF-style: chr7-21923913-C-T.
Other names: short protein forms P4131L.
Identifiers: ClinVar variation 3840813 (VCV003840813.1).

ClinVar aggregate classification (germline): Uncertain significance (1 of 4 stars; one submission).

Conditions:
Primary ciliary dyskinesia. Also called: Ciliary dyskinesia. Identifiers: Orphanet 244, MedGen C0008780, MONDO:0016575, HP:0012265.

gnomAD v4.1: 1 of 1,605,756 alleles (0.000062%); highest among the groups gnomAD compares: Non-Finnish European, 0.000085%; no homozygotes.

Submission:

Ambry Genetics
Classification: Uncertain significance for Primary ciliary dyskinesia. Last evaluated: 2024-12-17. Review status: criteria provided, single submitter. Criteria: Ambry Variant Classification Scheme 2023. Collection method: clinical testing. Allele origin: germline.
Comment: The p.P4131L variant (also known as c.12392C>T), located in coding exon 76 of the DNAH11 gene, results from a C to T substitution at nucleotide position 12392. The proline at codon 4131 is replaced by leucine, an amino acid with similar properties. This amino acid position is conserved. In addition, the in silico prediction for this alteration is inconclusive. Based on the available evidence, the clinical significance of this variant remains unclear.